The following is an entry in ClinVar:

ClinVar aggregate classification (germline): Uncertain significance (1 of 4 stars; one submission).

Conditions:
Ataxia-telangiectasia syndrome (AT). Also called: Ataxia telangiectasia (A-T); LOUIS-BAR SYNDROME; Cerebello-oculocutaneous telangiectasia; Immunodeficiency with ataxia telangiectasia; AT, COMPLEMENTATION GROUP C; Ataxia-telangiectasia, complementation group D. Identifiers: Orphanet 100, MedGen C0004135, MONDO:0008840, OMIM 208900.

Allele frequency attached by ClinVar (database versions not stated): TOPMed below 0.00001.

Submission:

Labcorp Genetics (formerly Invitae), Labcorp
Classification: Uncertain significance for Ataxia-telangiectasia syndrome. Last evaluated: 2021-02-08. Review status: criteria provided, single submitter. Criteria: Invitae Variant Classification Sherloc (09022015). Collection method: clinical testing. Allele origin: germline.
Comment: In summary, the available evidence is currently insufficient to determine the role of this variant in disease. Therefore, it has been classified as a Variant of Uncertain Significance. Advanced modeling of protein sequence and biophysical properties (such as structural, functional, and spatial information, amino acid conservation, physicochemical variation, residue mobility, and thermodynamic stability) performed at Invitae indicates that this missense variant is not expected to disrupt ATM protein function. This variant has not been reported in the literature in individuals with ATM-related conditions. This variant is not present in population databases (ExAC no frequency). This sequence change replaces proline with threonine at codon 1564 of the ATM protein (p.Pro1564Thr). The proline residue is highly conserved and there is a small physicochemical difference between proline and threonine.

NM_000051.4(ATM):c.4690C>A (p.Pro1564Thr)

Gene: ATM (ATM serine/threonine kinase; plus strand). Cytogenetic location: 11q22.3.
Variant type: single nucleotide variant.
Coding change: c.4690C>A on transcript NM_000051.4 (MANE Select); coding-DNA position 4690, C replaced by A.
Protein change: p.Pro1564Thr; replaces proline 1564 with threonine.
Molecular consequence: missense variant.
Genome position (GRCh38, 1-based): chr11:108,293,391, C>A. VCF-style: chr11-108293391-C-A. GRCh37 (hg19) VCF-style: chr11-108164118-C-A.
Other names: c.4690C>A, p.Pro1564Thr (NM_001351834.2); short protein forms P1564T.
Identifiers: ClinVar variation 1429758 (VCV001429758.8), dbSNP rs1490905322, ClinGen allele CA382534795.
Genomic context (GRCh38, chr11:108,293,391, plus strand): 5'-TACTTAGTGATAGATAACAAGGATAATGAAAACCTCTATATCACGATTAAGCTTTTAGAT[C>A]CTTTTCCTGACCATGTTGTTTTTAAGGATTTGCGTATTACTCAGCAAAAAATCAAATACA-3'
Protein context (NP_000042.3, residues 1554-1574): NLYITIKLLD[Pro1564Thr]FPDHVVFKDL